The following is an entry in ClinVar:

NM_001042492.3(NF1):c.2518_2519dup (p.Met840fs)

Gene: NF1 (neurofibromin 1; plus strand). Cytogenetic location: 17q11.2.
Variant type: Duplication.
Coding change: c.2518_2519dup on transcript NM_001042492.3 (MANE Select); coding-DNA positions 2518 to 2519, 2 bases duplicated (AT; older notation c.2518_2519dupAT).
Protein change: p.Met840fs; shifts the reading frame from methionine 840.
Molecular consequence: frameshift variant.
Genome position (GRCh38, 1-based): chr17:31,229,133-31,229,134, AT duplicated. VCF-style (leftmost placement, unchanged base first): chr17-31229132-C-CAT. GRCh37 (hg19) VCF-style: chr17-29556150-C-CAT.
Other names: c.2518_2519dup, p.Met840Ilefs (NM_000267.4); short protein forms M840fs.
Identifiers: ClinVar variation 3726536 (VCV003726536.2).
Genomic context (GRCh38, chr17:31,229,132, plus strand): 5'-TGTGAGTGGAGGAGGATCCATAGATTTGTCTGACACAGACTCCCTACAGGAATGGATCAA[C>CAT]ATGACTGGCTTCCTTTGTGCCCTTGGGGGAGTGTGCCTCCAGCAGAGAAGCAATTCTGGC-3'

ClinVar aggregate classification (germline): Pathogenic (1 of 4 stars; one submission).

Conditions:
Neurofibromatosis, type 1 (NF1). Also called: NEUROFIBROMATOSIS, TYPE I, SOMATIC; Peripheral type neurofibromatosis; Neurofibromatosis, type I; VON RECKLINGHAUSEN DISEASE. Identifiers: Orphanet 636, MedGen C0027831, MONDO:0018975, OMIM 162200. Disease mechanism: loss of function.

Submission:

Labcorp Genetics (formerly Invitae), Labcorp
Classification: Pathogenic for Neurofibromatosis, type 1. Last evaluated: 2024-12-03. Review status: criteria provided, single submitter. Criteria: Invitae Variant Classification Sherloc (09022015). Collection method: clinical testing. Allele origin: germline.
Comment: This sequence change creates a premature translational stop signal (p.Met840Ilefs*2) in the NF1 gene. It is expected to result in an absent or disrupted protein product. Loss-of-function variants in NF1 are known to be pathogenic (PMID: 10712197, 23913538). This variant is not present in population databases (gnomAD no frequency). This variant has not been reported in the literature in individuals affected with NF1-related conditions. For these reasons, this variant has been classified as Pathogenic.

Literature cited by the submitters: PubMed 10712197; PubMed 23913538.